The following is an entry in ClinVar:

ClinVar aggregate classification (germline): Uncertain significance (0 of 4 stars; one submission).

Conditions:
DYRK1B-related disorder. Also called: DYRK1B-related condition.

Submission:

PreventionGenetics, part of Exact Sciences
Classification: Uncertain significance for DYRK1B-related condition. Last evaluated: 2023-12-21. Review status: no assertion criteria provided. Collection method: clinical testing. Allele origin: germline.
Comment: The DYRK1B c.875T>G variant is predicted to result in the amino acid substitution p.Leu292Arg. To our knowledge, this variant has not been reported in the literature. This variant is reported in 0.0054% of alleles in individuals of East Asian descent in gnomAD. At this time, the clinical significance of this variant is uncertain due to the absence of conclusive functional and genetic evidence.

NM_004714.3(DYRK1B):c.875T>G (p.Leu292Arg)

Gene: DYRK1B (dual specificity tyrosine phosphorylation regulated kinase 1B; minus strand). Cytogenetic location: 19q13.2.
Variant type: single nucleotide variant.
Coding change: c.875T>G on transcript NM_004714.3 (MANE Select); coding-DNA position 875, T replaced by G.
Protein change: p.Leu292Arg; replaces leucine 292 with arginine.
Molecular consequence: missense variant.
Genome position (GRCh38, 1-based): chr19:39,827,589, A>C on the plus strand (T>G on the coding strand, the complement: DYRK1B is on the minus strand). VCF-style: chr19-39827589-A-C. GRCh37 (hg19) VCF-style: chr19-40318229-A-C.
Other names: c.875T>G, p.Leu292Arg (NM_006483.3, NM_006484.3); short protein forms L292R.
Identifiers: ClinVar variation 3349515 (VCV003349515.1).